The following is an entry in ClinVar:

ClinVar aggregate classification (germline): Uncertain significance (1 of 4 stars; one submission).

gnomAD v4.1: 6 of 1,588,820 alleles (0.00038%); highest among the groups gnomAD compares: Non-Finnish European, 0.00051%; no homozygotes.

Submission:

Labcorp Genetics (formerly Invitae), Labcorp
Classification: Uncertain significance. Last evaluated: 2024-07-17. Review status: criteria provided, single submitter. Criteria: Invitae Variant Classification Sherloc (09022015). Collection method: clinical testing. Allele origin: germline.
Comment: This sequence change replaces glutamine, which is neutral and polar, with proline, which is neutral and non-polar, at codon 514 of the ACAN protein (p.Gln514Pro). This variant is not present in population databases (gnomAD no frequency). This variant has not been reported in the literature in individuals affected with ACAN-related conditions. Advanced modeling of protein sequence and biophysical properties (such as structural, functional, and spatial information, amino acid conservation, physicochemical variation, residue mobility, and thermodynamic stability) performed at Invitae indicates that this missense variant is not expected to disrupt ACAN protein function with a negative predictive value of 80%. In summary, the available evidence is currently insufficient to determine the role of this variant in disease. Therefore, it has been classified as a Variant of Uncertain Significance.

NM_001369268.1(ACAN):c.1541A>C (p.Gln514Pro)

Gene: ACAN (aggrecan; plus strand). Cytogenetic location: 15q26.1.
Variant type: single nucleotide variant.
Coding change: c.1541A>C on transcript NM_001369268.1 (MANE Select); coding-DNA position 1541, A replaced by C.
Protein change: p.Gln514Pro; replaces glutamine 514 with proline.
Molecular consequence: missense variant.
Genome position (GRCh38, 1-based): chr15:88,847,354, A>C. VCF-style: chr15-88847354-A-C. GRCh37 (hg19) VCF-style: chr15-89390585-A-C.
Other names: c.1541A>C, p.Gln514Pro (NM_001135.4, NM_001411096.1, NM_001411097.1 and 1 more transcripts); short protein forms Q514P.
Identifiers: ClinVar variation 3691296 (VCV003691296.2).
Genomic context (GRCh38, chr15:88,847,354, plus strand): 5'-AGGAGGCACAGCAGGCCTGCCTGCGCACGGGGGCGGTCATTGCCTCGCCGGAGCAGCTCC[A>C]GGCCGCCTACGAAGCAGGCTATGAGCAGTGTGACGCCGGCTGGCTGCGGGACCAGACCGT-3'
Protein context (NP_001356197.1, residues 504-524): GAVIASPEQL[Gln514Pro]AAYEAGYEQC